The following is an entry in ClinVar:

NM_001040108.2(MLH3):c.2160T>G (p.Tyr720Ter)

Gene: MLH3 (mutL homolog 3; minus strand). Cytogenetic location: 14q24.3.
Variant type: single nucleotide variant.
Coding change: c.2160T>G on transcript NM_001040108.2 (MANE Select); coding-DNA position 2160, T replaced by G.
Protein change: p.Tyr720Ter; replaces tyrosine 720 with a stop codon.
Molecular consequence: nonsense.
Genome position (GRCh38, 1-based): chr14:75,047,496, A>C on the plus strand (T>G on the coding strand, the complement: MLH3 is on the minus strand). VCF-style: chr14-75047496-A-C. GRCh37 (hg19) VCF-style: chr14-75514199-A-C.
Other names: c.2160T>G, p.Tyr720Ter (NM_014381.3); short protein forms Y720*.
Identifiers: ClinVar variation 846812 (VCV000846812.10), dbSNP rs1892328710, ClinGen allele CA390441395.

ClinVar aggregate classification (germline): Conflicting classifications of pathogenicity. Review status: criteria provided, conflicting classifications (1 of 4 stars). 3 submissions from 3 submitters: Pathogenic (2); Uncertain significance (1). Last evaluated 2026-06-16.

Conditions:
Colorectal cancer, hereditary nonpolyposis, type 7. Identifiers: Orphanet 144, MedGen C1858380, MONDO:0013725, OMIM 614385.

gnomAD v4.1: 1 of 1,614,156 alleles (0.000062%); highest among the groups gnomAD compares: Non-Finnish European, 0.000085%; no homozygotes.

Submissions (3):

Myriad Genetics, Inc.
Classification: Pathogenic for Colorectal cancer, hereditary nonpolyposis, type 7. Last evaluated: 2026-06-16. Review status: criteria provided, single submitter. Criteria: Myriad Autosomal Dominant, Autosomal Recessive and X-Linked Classification Criteria (2023). Collection method: clinical testing. Allele origin: unknown.
Comment: This variant is considered pathogenic. This variant creates a termination codon and is predicted to result in premature protein truncation.

Ambry Genetics
Classification: Pathogenic. Last evaluated: 2026-05-26. Review status: criteria provided, single submitter. Criteria: Ambry Variant Classification Scheme 2023. Collection method: clinical testing. Allele origin: germline.
Comment: The p.Y720* pathogenic mutation (also known as c.2160T>G), located in coding exon 1 of the MLH3 gene, results from a T to G substitution at nucleotide position 2160. This changes the amino acid from a tyrosine to a stop codon within coding exon 1. This variant is considered to be rare based on population cohorts in the Genome Aggregation Database (gnomAD). This alteration is expected to result in loss of function by premature protein truncation or nonsense-mediated mRNA decay. As such, this alteration is interpreted as a disease-causing mutation.

Labcorp Genetics (formerly Invitae), Labcorp
Classification: Uncertain significance for Colorectal cancer, hereditary nonpolyposis, type 7. Last evaluated: 2025-11-03. Review status: criteria provided, single submitter. Criteria: Invitae Variant Classification Sherloc (09022015). Collection method: clinical testing. Allele origin: germline.
Comment: This sequence change creates a premature translational stop signal (p.Tyr720*) in the MLH3 gene. It is expected to result in an absent or disrupted protein product. However, the current clinical and genetic evidence is not sufficient to establish whether loss-of-function variants in MLH3 cause disease. This variant is not present in population databases (gnomAD no frequency). This variant has not been reported in the literature in individuals affected with MLH3-related conditions. ClinVar contains an entry for this variant (Variation ID: 846812). In summary, the available evidence is currently insufficient to determine the role of this variant in disease. Therefore, it has been classified as a Variant of Uncertain Significance.